The following is an entry in ClinVar:

NM_001127511.3(APC):c.-142G>C

Gene: APC (APC regulator of Wnt signaling pathway; plus strand). Cytogenetic location: 5q22.2.
Variant type: single nucleotide variant.
Coding change: c.-142G>C on transcript NM_001127511.3; 142 bases upstream of the start codon, G replaced by C.
Molecular consequence: 5 prime UTR variant. On other transcripts: non-coding transcript variant (2).
Genome position (GRCh38, 1-based): chr5:112,707,576, G>C. VCF-style: chr5-112707576-G-C. GRCh37 (hg19) VCF-style: chr5-112043273-G-C.
Other names: c.-325G>C (NM_001354895.2, NM_001407447.1, NM_001407452.1 and 3 more transcripts); c.-142G>C (NM_001354897.2, NM_001354902.2, NM_001407446.1); c.-92G>C (NM_001407448.1, NM_001407450.1, NM_001407457.1 and 1 more transcripts); c.-116G>C (NM_001407453.1); c.-1360G>C (NM_001407470.1, NM_001407472.1).
Identifiers: ClinVar variation 640704 (VCV000640704.9), dbSNP rs951500465, ClinGen allele CA124924911.
Genomic context (GRCh38, chr5:112,707,576, plus strand): 5'-CTCCCACAAGATGGCGGAGGGCAAGTAGCAAGGGGGCGGGGTGTGGCCGCCGGAAGCCTA[G>C]CCGCTGCTCGGGGGGGACCTGCGGGCTCAGGCCCGGGAGCTGCGGACCGAGGTTGGCTCG-3'

ClinVar aggregate classification (germline): Uncertain significance (1 of 4 stars; one submission).

Conditions:
Familial adenomatous polyposis 1 (FAP1). Also called: FAMILIAL ADENOMATOUS POLYPOSIS 1, ATTENUATED; POLYPOSIS, ADENOMATOUS INTESTINAL. Identifiers: MedGen C2713442, MONDO:0021056, OMIM 175100. Disease mechanism: loss of function.

Allele frequency attached by ClinVar (database versions not stated): TOPMed 0.00004; gnomAD 0.00003.
gnomAD v4.1: 12 of 869,610 alleles (0.0014%); highest among the groups gnomAD compares: Admixed American, 0.0084%; no homozygotes.

Submission:

Labcorp Genetics (formerly Invitae), Labcorp
Classification: Uncertain significance for Familial adenomatous polyposis 1. Last evaluated: 2025-12-04. Review status: criteria provided, single submitter. Criteria: Invitae Variant Classification Sherloc (09022015). Collection method: clinical testing. Allele origin: germline.
Comment: This variant occurs in a non-coding region of the APC gene. It does not change the encoded amino acid sequence of the APC protein. This variant is not present in population databases (gnomAD no frequency). This variant has not been reported in the literature in individuals affected with APC-related conditions. ClinVar contains an entry for this variant (Variation ID: 640704). Experimental studies and prediction algorithms are not available or were not evaluated, and the functional significance of this variant is currently unknown. In summary, the available evidence is currently insufficient to determine the role of this variant in disease. Therefore, it has been classified as a Variant of Uncertain Significance.